The following is an entry in ClinVar:

NM_000360.4(TH):c.91-856C>A

Gene: TH (tyrosine hydroxylase; minus strand). Cytogenetic location: 11p15.5.
Variant type: single nucleotide variant.
Coding change: c.91-856C>A on transcript NM_000360.4 (MANE Select); 856 bases into the intron before coding-DNA position 91, C replaced by A.
Molecular consequence: intron variant. On other transcripts: missense variant (2).
Genome position (GRCh38, 1-based): chr11:2,170,727, G>T on the plus strand (C>A on the coding strand, the complement: TH is on the minus strand). VCF-style: chr11-2170727-G-T. GRCh37 (hg19) VCF-style: chr11-2191957-G-T.
Other names: c.146C>A, p.Thr49Asn (NM_199292.3); c.134C>A, p.Thr45Asn (NM_199293.3); short protein forms T45N, T49N.
Identifiers: ClinVar variation 2056846 (VCV002056846.2), dbSNP rs540910436, ClinGen allele CA5818819.

ClinVar aggregate classification (germline): Uncertain significance (1 of 4 stars; one submission).

Conditions:
TH-deficient dopa-responsive dystonia. Also called: Tyrosine Hydroxylase-Deficient Dopa-Responsive Dystonia; Segawa syndrome, autosomal recessive; DYT-TH. Identifiers: Orphanet 101150, MedGen C2673535, MONDO:0011551, OMIM 605407.

Allele frequency attached by ClinVar (database versions not stated): gnomAD exomes 0.00002; gnomAD 0.00003; ExAC 0.00008; 1000 Genomes Project 30x 0.00031; 1000 Genomes Project 0.00040.
gnomAD v4.1: 32 of 1,603,094 alleles (0.002%); highest among the groups gnomAD compares: South Asian, 0.033%; 2 homozygotes.

Submission:

Labcorp Genetics (formerly Invitae), Labcorp
Classification: Uncertain significance for TH-deficient dopa-responsive dystonia. Last evaluated: 2024-05-15. Review status: criteria provided, single submitter. Criteria: Invitae Variant Classification Sherloc (09022015). Collection method: clinical testing. Allele origin: germline.
Comment: This sequence change replaces threonine, which is neutral and polar, with asparagine, which is neutral and polar, at codon 49 of the TH protein (p.Thr49Asn). This variant is present in population databases (rs540910436, gnomAD 0.03%). This variant has not been reported in the literature in individuals affected with TH-related conditions. ClinVar contains an entry for this variant (Variation ID: 2056846). Advanced modeling of protein sequence and biophysical properties (such as structural, functional, and spatial information, amino acid conservation, physicochemical variation, residue mobility, and thermodynamic stability) has been performed at Invitae for this missense variant, however the output from this modeling did not meet the statistical confidence thresholds required to predict the impact of this variant on TH protein function. In summary, the available evidence is currently insufficient to determine the role of this variant in disease. Therefore, it has been classified as a Variant of Uncertain Significance.